The following is an entry in ClinVar:

ClinVar aggregate classification (germline): Uncertain significance. Review status: criteria provided, multiple submitters, no conflicts (2 of 4 stars). 2 submissions from 2 submitters: Uncertain significance (2). Last evaluated 2026-08-19.

Conditions:
Dilated cardiomyopathy 1G (CMD1G). Identifiers: Orphanet 154, MedGen C1858763, MONDO:0011400, OMIM 604145.
Autosomal recessive limb-girdle muscular dystrophy type 2J (LGMDR10). Also called: MUSCULAR DYSTROPHY, LIMB-GIRDLE, AUTOSOMAL RECESSIVE 10; Limb-girdle muscular dystrophy, type 2J. Identifiers: Orphanet 140922, MedGen C1837342, MONDO:0012127, OMIM 608807.
TTN-related disorder. Also called: TTN-related disorders; TTN-related condition; TTN-related disease.

Allele frequency attached by ClinVar (database versions not stated): ExAC 0.00001; gnomAD 0.00001; gnomAD exomes 0.00002; TOPMed 0.00003.
gnomAD v4.1: 32 of 1,613,672 alleles (0.002%); highest among the groups gnomAD compares: South Asian, 0.0099%; no homozygotes.

Submissions (2):

PreventionGenetics, part of Exact Sciences
Classification: Uncertain significance for TTN-related condition. Last evaluated: 2026-08-19. Review status: criteria provided, single submitter. Criteria: ACMG Guidelines, 2015. Collection method: clinical testing. Allele origin: germline.
Comment: The TTN c.102713G>A variant is predicted to result in the amino acid substitution p.Arg34238His. To our knowledge, this variant has not been reported in the literature. This variant is reported in 0.013% of alleles in individuals of South Asian descent in gnomAD. At this time, the clinical significance of this variant is uncertain due to the absence of conclusive functional and genetic evidence.

Labcorp Genetics (formerly Invitae), Labcorp
Classification: Uncertain significance for Dilated cardiomyopathy 1G; Autosomal recessive limb-girdle muscular dystrophy type 2J. Last evaluated: 2024-10-15. Review status: criteria provided, single submitter. Criteria: Invitae Variant Classification Sherloc (09022015). Collection method: clinical testing. Allele origin: germline.
Comment: This sequence change replaces arginine, which is basic and polar, with histidine, which is basic and polar, at codon 34238 of the TTN protein (p.Arg34238His). This variant is present in population databases (rs767961553, gnomAD 0.01%). This variant has not been reported in the literature in individuals affected with TTN-related conditions. ClinVar contains an entry for this variant (Variation ID: 2123183). Experimental studies and prediction algorithms are not available or were not evaluated, and the functional significance of this variant is currently unknown. This variant is located in the M band of TTN (PMID: 25589632). Non-truncating variants in this region may be relevant for neuromuscular disorders, but have not been definitively shown to cause cardiomyopathy (PMID: 23975875). In summary, the available evidence is currently insufficient to determine the role of this variant in disease. Therefore, it has been classified as a Variant of Uncertain Significance.

Literature cited by the submitters: PubMed 25589632 (cited by Labcorp Genetics (formerly Invitae), Labcorp); PubMed 23975875 (cited by Labcorp Genetics (formerly Invitae), Labcorp).

NM_001267550.2(TTN):c.102713G>A (p.Arg34238His)

Genes: TTN (titin; minus strand), TTN-AS1 (TTN antisense RNA 1; plus strand). Cytogenetic location: 2q31.2.
Variant type: single nucleotide variant.
Coding change: c.102713G>A on transcript NM_001267550.2 (MANE Select); coding-DNA position 102713, G replaced by A.
Protein change: p.Arg34238His; replaces arginine 34238 with histidine.
Molecular consequence: missense variant.
Genome position (GRCh38, 1-based): chr2:178,533,902, C>T on the plus strand (G>A on the coding strand, the complement: TTN is on the minus strand). VCF-style: chr2-178533902-C-T. GRCh37 (hg19) VCF-style: chr2-179398629-C-T.
Other names: c.97790G>A, p.Arg32597His (NM_001256850.1); c.75518G>A, p.Arg25173His (NM_003319.4); c.95009G>A, p.Arg31670His (NM_133378.4); c.75893G>A, p.Arg25298His (NM_133432.3); c.76094G>A, p.Arg25365His (NM_133437.4); short protein forms R25173H, R25365H, R32597H, R34238H, R25298H, R31670H.
Identifiers: ClinVar variation 2123183 (VCV002123183.4), dbSNP rs767961553, ClinGen allele CA1985716.
Genomic context (GRCh38, chr2:178,533,902, plus strand): 5'-GGTGGCCTTTCCAGGAGTCTCATTGTGTCTGTTCTGCGCTTAATTTTCTTCATGGTTCTA[C>T]GGCAGTAATAGTCATAGACTTCTCTCACACCTTTAACAAATAGCTCTGCATAAGAACTGT-3'
Protein context (NP_001254479.2, residues 34228-34248): GVREVYDYYC[Arg34238His]RTMKKIKRRT